The following is an entry in ClinVar:

ClinVar aggregate classification (germline): Conflicting classifications of pathogenicity. Review status: criteria provided, conflicting classifications (1 of 4 stars). 2 submissions from 2 submitters: Uncertain significance (1); Benign (1). Last evaluated 2025-10-05.

Conditions:
Alagille syndrome due to a JAG1 point mutation. Also called: Alagille Syndrome 1; JAG1-Related Alagille Syndrome; HEPATIC DUCTULAR HYPOPLASIA, SYNDROMATIC. Identifiers: Orphanet 261619, Orphanet 52, MedGen C1956125, MONDO:0016862, OMIM 118450.
Cardiovascular phenotype. Identifiers: MedGen CN230736.

Allele frequency attached by ClinVar (database versions not stated): ExAC 0.00001; TOPMed 0.00002; gnomAD 0.00003; ESP Exome Variant Server 0.00008.
gnomAD v4.1: 5 of 1,614,100 alleles (0.00031%); highest among the groups gnomAD compares: African/African-American, 0.0053%; no homozygotes.

Submissions (2):

Ambry Genetics
Classification: Uncertain significance for Cardiovascular phenotype. Last evaluated: 2025-10-05. Review status: criteria provided, single submitter. Criteria: Ambry Variant Classification Scheme 2023. Collection method: clinical testing. Allele origin: germline.
Comment: The p.A1168G variant (also known as c.3503C>G), located in coding exon 26 of the JAG1 gene, results from a C to G substitution at nucleotide position 3503. The alanine at codon 1168 is replaced by glycine, an amino acid with similar properties. This amino acid position is conserved. In addition, this alteration is predicted to be tolerated by in silico analysis. Since supporting evidence is limited at this time, the clinical significance of this alteration remains unclear.

Labcorp Genetics (formerly Invitae), Labcorp
Classification: Benign for Alagille syndrome due to a JAG1 point mutation. Last evaluated: 2024-07-17. Review status: criteria provided, single submitter. Criteria: Invitae Variant Classification Sherloc (09022015). Collection method: clinical testing. Allele origin: germline.

NM_000214.3(JAG1):c.3503C>G (p.Ala1168Gly)

Gene: JAG1 (jagged canonical Notch ligand 1; minus strand). Cytogenetic location: 20p12.2.
Variant type: single nucleotide variant.
Coding change: c.3503C>G on transcript NM_000214.3 (MANE Select); coding-DNA position 3503, C replaced by G.
Protein change: p.Ala1168Gly; replaces alanine 1168 with glycine.
Molecular consequence: missense variant.
Genome position (GRCh38, 1-based): chr20:10,639,652, G>C on the plus strand (C>G on the coding strand, the complement: JAG1 is on the minus strand). VCF-style: chr20-10639652-G-C. GRCh37 (hg19) VCF-style: chr20-10620300-G-C.
Other names: short protein forms A1168G.
Identifiers: ClinVar variation 1732089 (VCV001732089.6), dbSNP rs375431219, ClinGen allele CA9764201.